The following is an entry in ClinVar:

ClinVar aggregate classification (germline): Uncertain significance (1 of 4 stars; one submission).

Conditions:
Neurofibromatosis, type 1 (NF1). Also called: VON RECKLINGHAUSEN DISEASE; Neurofibromatosis, type I; NEUROFIBROMATOSIS, TYPE I, SOMATIC; Peripheral type neurofibromatosis. Identifiers: Orphanet 636, MedGen C0027831, MONDO:0018975, OMIM 162200. Disease mechanism: loss of function.

Submission:

Labcorp Genetics (formerly Invitae), Labcorp
Classification: Uncertain significance for Neurofibromatosis, type 1. Last evaluated: 2020-07-27. Review status: criteria provided, single submitter. Criteria: Invitae Variant Classification Sherloc (09022015). Collection method: clinical testing. Allele origin: germline.
Comment: In summary, the available evidence is currently insufficient to determine the role of this variant in disease. Therefore, it has been classified as a Variant of Uncertain Significance. Algorithms developed to predict the effect of missense changes on protein structure and function are either unavailable or do not agree on the potential impact of this missense change (SIFT: "Tolerated"; PolyPhen-2: "Probably Damaging"; Align-GVGD: "Class C0"). This variant has not been reported in the literature in individuals with NF1-related conditions. This variant is not present in population databases (ExAC no frequency). This sequence change replaces glutamine with lysine at codon 2242 of the NF1 protein (p.Gln2242Lys). The glutamine residue is moderately conserved and there is a small physicochemical difference between glutamine and lysine.

NM_001042492.3(NF1):c.6787C>A (p.Gln2263Lys)

Gene: NF1 (neurofibromin 1; plus strand). Cytogenetic location: 17q11.2.
Variant type: single nucleotide variant.
Coding change: c.6787C>A on transcript NM_001042492.3 (MANE Select); coding-DNA position 6787, C replaced by A.
Protein change: p.Gln2263Lys; replaces glutamine 2263 with lysine.
Molecular consequence: missense variant.
Genome position (GRCh38, 1-based): chr17:31,338,107, C>A. VCF-style: chr17-31338107-C-A. GRCh37 (hg19) VCF-style: chr17-29665125-C-A.
Other names: c.6724C>A, p.Gln2242Lys (NM_000267.4); short protein forms Q2242K, Q2263K.
Identifiers: ClinVar variation 1012133 (VCV001012133.5), dbSNP rs2069727121, ClinGen allele CA399014152.